The following is an entry in ClinVar:

ClinVar aggregate classification (germline): Likely benign (0 of 4 stars; one submission).

Conditions:
LTBP4-related disorder. Also called: LTBP4-related condition.

Submission:

PreventionGenetics, part of Exact Sciences
Classification: Likely benign for LTBP4-related condition. Last evaluated: 2020-08-03. Review status: no assertion criteria provided. Collection method: clinical testing. Allele origin: germline.
Comment: This variant is classified as likely benign based on ACMG/AMP sequence variant interpretation guidelines (Richards et al. 2015 PMID: 25741868, with internal and published modifications).

NM_001042545.2(LTBP4):c.1427-3dup

Gene: LTBP4 (latent transforming growth factor beta binding protein 4; plus strand). Cytogenetic location: 19q13.2.
Variant type: Duplication.
Coding change: c.1427-3dup on transcript NM_001042545.2 (MANE Select); 3 bases into the intron before coding-DNA position 1427, one base duplicated (C; older notation c.1427-3dupC).
Molecular consequence: intron variant.
Genome position (GRCh38, 1-based): chr19:40,609,527, C duplicated; the last of 6 consecutive C bases (chr19:40,609,522-40,609,527); duplicating any one gives the same sequence. VCF-style (leftmost placement, unchanged base first): chr19-40609521-A-AC. GRCh37 (hg19) VCF-style: chr19-41115427-A-AC.
Other names: c.1517-3dup (NM_003573.2); c.1628-3dup (NM_001042544.1); c.1517-3dupC (NM_003573.2).
Identifiers: ClinVar variation 3036820 (VCV003036820.2), dbSNP rs752430637, ClinGen allele CA633122186.